The following is an entry in ClinVar:

ClinVar aggregate classification (germline): Uncertain significance (1 of 4 stars; one submission).

Conditions:
Hypertrophic cardiomyopathy. Also called: HYPERTROPHIC MYOCARDIOPATHY. Identifiers: Orphanet 217569, MedGen C0007194, MeSH D002312, MONDO:0005045, HP:0001639.

gnomAD v4.1: 3 of 1,601,774 alleles (0.00019%); highest among the groups gnomAD compares: South Asian, 0.0022%; no homozygotes.

Submission:

Labcorp Genetics (formerly Invitae), Labcorp
Classification: Uncertain significance for Hypertrophic cardiomyopathy. Last evaluated: 2025-05-18. Review status: criteria provided, single submitter. Criteria: Invitae Variant Classification Sherloc (09022015). Collection method: clinical testing. Allele origin: germline.
Comment: This sequence change replaces alanine, which is neutral and non-polar, with threonine, which is neutral and polar, at codon 317 of the MYBPC3 protein (p.Ala317Thr). The frequency data for this variant in the population databases is considered unreliable, as metrics indicate poor data quality at this position in the gnomAD database. This variant has not been reported in the literature in individuals affected with MYBPC3-related conditions. An algorithm developed to predict the effect of missense changes on protein structure and function (PolyPhen-2) suggests that this variant is likely to be tolerated. In summary, the available evidence is currently insufficient to determine the role of this variant in disease. Therefore, it has been classified as a Variant of Uncertain Significance.

NM_000256.3(MYBPC3):c.949G>A (p.Ala317Thr)

Gene: MYBPC3 (myosin binding protein C3; minus strand). Cytogenetic location: 11p11.2.
Variant type: single nucleotide variant.
Coding change: c.949G>A on transcript NM_000256.3 (MANE Select); coding-DNA position 949, G replaced by A.
Protein change: p.Ala317Thr; replaces alanine 317 with threonine.
Molecular consequence: missense variant.
Genome position (GRCh38, 1-based): chr11:47,346,348, C>T on the plus strand (G>A on the coding strand, the complement: MYBPC3 is on the minus strand). VCF-style: chr11-47346348-C-T. GRCh37 (hg19) VCF-style: chr11-47367899-C-T.
Other names: short protein forms A317T.
Identifiers: ClinVar variation 4772455 (VCV004772455.1).